The following is an entry in ClinVar:

NM_000127.3(EXT1):c.907del (p.Asp303fs)

Gene: EXT1 (exostosin glycosyltransferase 1; minus strand). Cytogenetic location: 8q24.11.
Variant type: Deletion.
Coding change: c.907del on transcript NM_000127.3 (MANE Select); coding-DNA position 907, one base deleted (G; older notation c.907delG).
Protein change: p.Asp303fs; shifts the reading frame from aspartic acid 303.
Molecular consequence: frameshift variant.
Genome position (GRCh38, 1-based): chr8:118,110,140, C deleted on the plus strand (G on the coding strand, the reverse complement: EXT1 is on the minus strand). VCF-style (leftmost placement, unchanged base first): chr8-118110139-TC-T. GRCh37 (hg19) VCF-style: chr8-119122378-TC-T.
Other names: short protein forms D303fs.
Identifiers: ClinVar variation 1442354 (VCV001442354.6), dbSNP rs2130041164, ClinGen allele CA2573142820.

ClinVar aggregate classification (germline): Pathogenic (1 of 4 stars; one submission).

Conditions:
Multiple congenital exostosis (EXT). Also called: MULTIPLE CARTILAGINOUS EXOSTOSES; Hereditary multiple exostoses; Hereditary multiple exostosis; Multiple exostoses; Multiple osteochondromas; Hereditary multiple osteochondromas. Identifiers: Orphanet 321, MedGen C0015306, MONDO:0005508, HP:0002762.

Submission:

Labcorp Genetics (formerly Invitae), Labcorp
Classification: Pathogenic for Multiple congenital exostosis. Last evaluated: 2021-03-28. Review status: criteria provided, single submitter. Criteria: Invitae Variant Classification Sherloc (09022015). Collection method: clinical testing. Allele origin: germline.
Comment: This sequence change creates a premature translational stop signal (p.Asp303Thrfs*56) in the EXT1 gene. It is expected to result in an absent or disrupted protein product. Loss-of-function variants in EXT1 are known to be pathogenic (PMID: 10679937, 11391482, 19810120). This variant is not present in population databases (ExAC no frequency). For these reasons, this variant has been classified as Pathogenic. This variant has not been reported in the literature in individuals with EXT1-related conditions.

Literature cited by the submitters: PubMed 10679937; PubMed 11391482; PubMed 19810120.